The following is an entry in ClinVar:

ClinVar aggregate classification (germline): Benign (0 of 4 stars; one submission).

Conditions:
IL31RA-related disorder. Also called: IL31RA-related condition.

Allele frequency attached by ClinVar (database versions not stated): TOPMed 0.29875; ExAC 0.30139; 1000 Genomes Project 30x 0.30184; gnomAD 0.30236; gnomAD exomes 0.30277; ESP Exome Variant Server 0.30863; 1000 Genomes Project 0.30990.
gnomAD v4.1: 487,620 of 1,613,250 alleles (30%); highest among the groups gnomAD compares: East Asian, 37%; 75,081 homozygotes.

Submission:

PreventionGenetics, part of Exact Sciences
Classification: Benign for IL31RA-related condition. Last evaluated: 2019-10-22. Review status: no assertion criteria provided. Collection method: clinical testing. Allele origin: germline.
Comment: This variant is classified as benign based on ACMG/AMP sequence variant interpretation guidelines (Richards et al. 2015 PMID: 25741868, with internal and published modifications).

NM_139017.7(IL31RA):c.1586G>A (p.Ser529Asn)

Gene: IL31RA (interleukin 31 receptor A; plus strand). Cytogenetic location: 5q11.2.
Variant type: single nucleotide variant.
Coding change: c.1586G>A on transcript NM_139017.7 (MANE Select); coding-DNA position 1586, G replaced by A.
Protein change: p.Ser529Asn; replaces serine 529 with asparagine.
Molecular consequence: missense variant.
Genome position (GRCh38, 1-based): chr5:55,910,616, G>A. VCF-style: chr5-55910616-G-A. GRCh37 (hg19) VCF-style: chr5-55206444-G-A.
Other names: c.1529G>A, p.Ser510Asn (NM_001242636.2, NM_001242638.2); c.1586G>A, p.Ser529Asn (NM_001242637.2); c.1160G>A, p.Ser387Asn (NM_001242639.2); short protein forms S387N, S510N, S529N.
Identifiers: ClinVar variation 3060128 (VCV003060128.2), dbSNP rs161704, ClinGen allele CA3270897.